The following is an entry in ClinVar:

ClinVar aggregate classification (germline): Benign (0 of 4 stars; one submission).

Conditions:
GPKOW-related disorder. Also called: GPKOW-related condition.

Allele frequency attached by ClinVar (database versions not stated): gnomAD exomes 0.00710; gnomAD 0.07213; ExAC 0.07538; TOPMed 0.08106; 1000 Genomes Project 0.08212; 1000 Genomes Project 30x 0.08366; ESP Exome Variant Server 0.09131.
gnomAD v4.1: 15,754 of 1,135,529 alleles (1.4%); highest among the groups gnomAD compares: African/African-American, 25%; 1,353 homozygotes.

Submission:

PreventionGenetics, part of Exact Sciences
Classification: Benign for GPKOW-related condition. Last evaluated: 2019-12-03. Review status: no assertion criteria provided. Collection method: clinical testing. Allele origin: germline.
Comment: This variant is classified as benign based on ACMG/AMP sequence variant interpretation guidelines (Richards et al. 2015 PMID: 25741868, with internal and published modifications).

NM_015698.6(GPKOW):c.456+10C>T

Gene: GPKOW (G-patch domain and KOW motifs; minus strand). Cytogenetic location: Xp11.23.
Variant type: single nucleotide variant.
Coding change: c.456+10C>T on transcript NM_015698.6 (MANE Select); 10 bases into the intron after coding-DNA position 456, C replaced by T.
Molecular consequence: intron variant.
Genome position (GRCh38, 1-based): chrX:49,122,388, G>A on the plus strand (C>T on the coding strand, the complement: GPKOW is on the minus strand). VCF-style: chrX-49122388-G-A. GRCh37 (hg19) VCF-style: chrX-48978738-G-A.
Identifiers: ClinVar variation 3061022 (VCV003061022.2), dbSNP rs73634205, ClinGen allele CA10408860.